The following is an entry in ClinVar:

ClinVar aggregate classification (germline): Uncertain significance (1 of 4 stars; one submission).

Conditions:
Peroxisome biogenesis disorder 7A (Zellweger). Also called: Peroxisome biogenesis disorder 7A. Identifiers: Orphanet 912, MedGen C3888385, MONDO:0013938, OMIM 614872.
Peroxisome biogenesis disorder 7B (PBD7B). Identifiers: Orphanet 44, MedGen C3553951, MONDO:0013939, OMIM 614873.

Allele frequency attached by ClinVar (database versions not stated): TOPMed below 0.00001; gnomAD 0.00001; ExAC 0.00002.
gnomAD v4.1: 17 of 1,613,988 alleles (0.0011%); highest among the groups gnomAD compares: Non-Finnish European, 0.0014%; no homozygotes.

Submission:

Labcorp Genetics (formerly Invitae), Labcorp
Classification: Uncertain significance for Peroxisome biogenesis disorder 7A (Zellweger); Peroxisome biogenesis disorder 7B. Last evaluated: 2022-07-14. Review status: criteria provided, single submitter. Criteria: Invitae Variant Classification Sherloc (09022015). Collection method: clinical testing. Allele origin: germline.
Comment: This sequence change replaces leucine, which is neutral and non-polar, with valine, which is neutral and non-polar, at codon 262 of the PEX26 protein (p.Leu262Val). This variant is present in population databases (rs776346270, gnomAD 0.003%). This variant has not been reported in the literature in individuals affected with PEX26-related conditions. Algorithms developed to predict the effect of missense changes on protein structure and function (SIFT, PolyPhen-2, Align-GVGD) all suggest that this variant is likely to be disruptive. In summary, the available evidence is currently insufficient to determine the role of this variant in disease. Therefore, it has been classified as a Variant of Uncertain Significance.

NM_001127649.3(PEX26):c.784C>G (p.Leu262Val)

Gene: PEX26 (peroxisomal biogenesis factor 26; plus strand). Cytogenetic location: 22q11.21.
Variant type: single nucleotide variant.
Coding change: c.784C>G on transcript NM_001127649.3 (MANE Select); coding-DNA position 784, C replaced by G.
Protein change: p.Leu262Val; replaces leucine 262 with valine.
Molecular consequence: missense variant. On other transcripts: intron variant (1).
Genome position (GRCh38, 1-based): chr22:18,085,228, C>G. VCF-style: chr22-18085228-C-G. GRCh37 (hg19) VCF-style: chr22-18567994-C-G.
Other names: c.784C>G, p.Leu262Val (NM_017929.6); c.667+1496C>G (NM_001199319.2); short protein forms L262V.
Identifiers: ClinVar variation 2082692 (VCV002082692.1), dbSNP rs776346270, ClinGen allele CA10093409.
Genomic context (GRCh38, chr22:18,085,228, plus strand): 5'-TCTGCGGTGAGCCACTTCTTTTCTCTGCCCTTCAAAAAGAGTCTCCTGGCTGCCTTGATC[C>G]TCTGTCTCCTGGTGGTGAGATTTGATCCAGGTAAGAGGTGGAGACTCTCCCCTGTCCTTC-3'
Protein context (NP_001121121.1, residues 252-272): FKKSLLAALI[Leu262Val]CLLVVRFDPA